The following is an entry in ClinVar:

NM_001080517.3(SETD5):c.2935A>T (p.Thr979Ser)

Gene: SETD5 (SET domain containing 5; plus strand). Cytogenetic location: 3p25.3.
Variant type: single nucleotide variant.
Coding change: c.2935A>T on transcript NM_001080517.3 (MANE Select); coding-DNA position 2935, A replaced by T.
Protein change: p.Thr979Ser; replaces threonine 979 with serine.
Molecular consequence: missense variant.
Genome position (GRCh38, 1-based): chr3:9,470,669, A>T. VCF-style: chr3-9470669-A-T. GRCh37 (hg19) VCF-style: chr3-9512353-A-T.
Other names: c.2641A>T, p.Thr881Ser (NM_001292043.2, NM_001349451.2); short protein forms T881S, T979S.
Identifiers: ClinVar variation 1965782 (VCV001965782.5), dbSNP rs778008343, ClinGen allele CA2239581.

ClinVar aggregate classification (germline): Uncertain significance (1 of 4 stars; one submission).

Allele frequency attached by ClinVar (database versions not stated): gnomAD exomes below 0.00001; ExAC 0.00001.
gnomAD v4.1: 1 of 1,613,980 alleles (0.000062%); highest among the groups gnomAD compares: Admixed American, 0.0017%; no homozygotes.

Submission:

Labcorp Genetics (formerly Invitae), Labcorp
Classification: Uncertain significance. Last evaluated: 2024-01-29. Review status: criteria provided, single submitter. Criteria: Invitae Variant Classification Sherloc (09022015). Collection method: clinical testing. Allele origin: germline.
Comment: This sequence change replaces threonine, which is neutral and polar, with serine, which is neutral and polar, at codon 979 of the SETD5 protein (p.Thr979Ser). This variant is present in population databases (rs778008343, gnomAD 0.003%). This variant has not been reported in the literature in individuals affected with SETD5-related conditions. ClinVar contains an entry for this variant (Variation ID: 1965782). Advanced modeling of protein sequence and biophysical properties (such as structural, functional, and spatial information, amino acid conservation, physicochemical variation, residue mobility, and thermodynamic stability) performed at Invitae indicates that this missense variant is not expected to disrupt SETD5 protein function with a negative predictive value of 80%. In summary, the available evidence is currently insufficient to determine the role of this variant in disease. Therefore, it has been classified as a Variant of Uncertain Significance.